The following is an entry in ClinVar:

ClinVar aggregate classification (germline): Pathogenic (1 of 4 stars; one submission).

Conditions:
Mucopolysaccharidosis, MPS-IV-A (MPS4A). Also called: MPS IVA; Morquio syndrome A, mild; GALACTOSAMINE-6-SULFATASE DEFICIENCY; GALNS DEFICIENCY; MORQUIO A DISEASE; Mucopolysaccharidosis type IV A. Identifiers: Orphanet 309297, Orphanet 582, MedGen C0086651, MONDO:0009659, OMIM 253000.

Submission:

Foundation for Research in Genetics and Endocrinology, FRIGE's Institute of Human Genetics
Classification: Pathogenic for Mucopolysaccharidosis, MPS-IV-A. Review status: criteria provided, single submitter. Criteria: ACMG Guidelines, 2015. Collection method: clinical testing. Allele origin: germline. Inheritance: Autosomal recessive inheritance. Affected: yes. Observed: 1 homozygote.
Comment: A homozygous insertion variation in exon 11 of the GALNS gene that results in the amino acid substitution of Histidine for Isoleucine at codon 416 and premature termination of the protein was detected. The observed variant c.1241_1242insA (p.Ile416HisfsTer2) has not been reported in the 1000 genomes, gnomAD and ExAC databases. The in silico prediction of the variant is damaging by LRT and MutationTaster2. The reference codon is conserved across species. In summary, the variant meets our criteria to be classified as pathogenic.

NM_000512.5(GALNS):c.1241dup (p.Ile416fs)

Gene: GALNS (galactosamine (N-acetyl)-6-sulfatase; minus strand). Cytogenetic location: 16q24.3.
Variant type: Duplication.
Coding change: c.1241dup on transcript NM_000512.5 (MANE Select); coding-DNA position 1241, one base duplicated (A; older notation c.1241dupA).
Protein change: p.Ile416fs; shifts the reading frame from isoleucine 416.
Molecular consequence: frameshift variant.
Genome position (GRCh38, 1-based): chr16:88,824,768, T duplicated on the plus strand (A on the coding strand, the reverse complement: GALNS is on the minus strand). VCF-style (leftmost placement, unchanged base first): chr16-88824767-C-CT. GRCh37 (hg19) VCF-style: chr16-88891175-C-CT.
Other names: c.686dup, p.Ile231fs (NM_001323543.2); c.1259dup, p.Ile422fs (NM_001323544.2); c.1241_1242insA (NM_000512.5); short protein forms I416fs, I231fs, I422fs.
Identifiers: ClinVar variation 873053 (VCV000873053.3), dbSNP rs1910631809, ClinGen allele CA1139664884.
Genomic context (GRCh38, chr16:88,824,767, plus strand): 5'-GGCCACGTCTGGATAGAGATGGGGGCAGCTCCGCCTGCGCCCACGTCCCGAGCCCTGTAC[C>CT]TGTCTGAAGTTCTCCCAGGAGTTGGTCCAGGTCCAGAAGTGAGCCTTGTGCTGCCCGAGG-3'